The following is an entry in ClinVar:

ClinVar aggregate classification (germline): Uncertain significance. Review status: criteria provided, multiple submitters, no conflicts (2 of 4 stars). 3 submissions from 3 submitters: Uncertain significance (3). Last evaluated 2024-10-17.

Conditions:
Inborn genetic diseases. Identifiers: MedGen C0950123, MeSH D030342.
Pontocerebellar hypoplasia type 3 (PCH3). Also called: CEREBELLAR ATROPHY WITH PROGRESSIVE MICROCEPHALY; PCH WITH OPTIC ATROPHY. Identifiers: Orphanet 97249, MedGen C1842687, MONDO:0011948, OMIM 608027.

Allele frequency attached by ClinVar (database versions not stated): gnomAD exomes 0.00001 and 0.00004; ExAC 0.00006; gnomAD 0.00011 and 0.00013; TOPMed 0.00022; 1000 Genomes Project 30x 0.00031; ESP Exome Variant Server 0.00034; 1000 Genomes Project 0.00040.
gnomAD v4.1: 28 of 1,613,874 alleles (0.0017%); highest among the groups gnomAD compares: African/African-American, 0.031%; no homozygotes.

Submissions (3):

Ambry Genetics
Classification: Uncertain significance for Inborn genetic diseases. Last evaluated: 2024-10-17. Review status: criteria provided, single submitter. Criteria: Ambry Variant Classification Scheme 2023. Collection method: clinical testing. Allele origin: germline.

Labcorp Genetics (formerly Invitae), Labcorp
Classification: Uncertain significance. Last evaluated: 2022-03-08. Review status: criteria provided, single submitter. Criteria: Invitae Variant Classification Sherloc (09022015). Collection method: clinical testing. Allele origin: germline.
Comment: This sequence change replaces glycine, which is neutral and non-polar, with valine, which is neutral and non-polar, at codon 3003 of the PCLO protein (p.Gly3003Val). This variant is present in population databases (rs201925292, gnomAD 0.05%). This variant has not been reported in the literature in individuals affected with PCLO-related conditions. Algorithms developed to predict the effect of missense changes on protein structure and function are either unavailable or do not agree on the potential impact of this missense change (SIFT: "Deleterious"; PolyPhen-2: "Not Available"; Align-GVGD: "Class C0"). In summary, the available evidence is currently insufficient to determine the role of this variant in disease. Therefore, it has been classified as a Variant of Uncertain Significance.

New York Genome Center
Classification: Uncertain significance for Pontocerebellar hypoplasia type 3. Last evaluated: 2021-02-19. Review status: criteria provided, single submitter. Criteria: NYGC Assertion Criteria 2020. Collection method: clinical testing. Allele origin: inherited. Observed: 1 heterozygote. Study: CSER-NYCKidSeq.

NM_033026.6(PCLO):c.9008G>T (p.Gly3003Val)

Gene: PCLO (piccolo presynaptic cytomatrix protein; minus strand). Cytogenetic location: 7q21.11.
Variant type: single nucleotide variant.
Coding change: c.9008G>T on transcript NM_033026.6 (MANE Select); coding-DNA position 9008, G replaced by T.
Protein change: p.Gly3003Val; replaces glycine 3003 with valine.
Molecular consequence: missense variant.
Genome position (GRCh38, 1-based): chr7:82,951,945, C>A on the plus strand (G>T on the coding strand, the complement: PCLO is on the minus strand). VCF-style: chr7-82951945-C-A. GRCh37 (hg19) VCF-style: chr7-82581261-C-A.
Other names: c.9008G>T (NM_033026.5); c.9008G>T, p.Gly3003Val (NM_014510.3); short protein forms G3003V.
Identifiers: ClinVar variation 1341898 (VCV001341898.5), dbSNP rs201925292, ClinGen allele CA4320018.
Genomic context (GRCh38, chr7:82,951,945, plus strand): 5'-ACTGCTGTGTCAGTTCCTTCAGAATAATCAAAAGCATTCTTACTTTTATAGAAAAAATGT[C>A]CAGCTTCTGCTAAATTTGTGTCAGACATGGAAGGCTTCATTCCCCCAATCCCTCTATAAC-3'
Protein context (NP_149015.2, residues 2993-3013): SMSDTNLAEA[Gly3003Val]HFFYKSKNAF